The following is an entry in ClinVar:

NM_000138.5(FBN1):c.1321C>A (p.Pro441Thr)

Gene: FBN1 (fibrillin 1; minus strand). Cytogenetic location: 15q21.1.
Variant type: single nucleotide variant.
Coding change: c.1321C>A on transcript NM_000138.5 (MANE Select); coding-DNA position 1321, C replaced by A.
Protein change: p.Pro441Thr; replaces proline 441 with threonine.
Molecular consequence: missense variant.
Genome position (GRCh38, 1-based): chr15:48,516,189, G>T on the plus strand (C>A on the coding strand, the complement: FBN1 is on the minus strand). VCF-style: chr15-48516189-G-T. GRCh37 (hg19) VCF-style: chr15-48808386-G-T.
Other names: c.1321C>A, p.Pro441Thr (NM_001406716.1); short protein forms P441T.
Identifiers: ClinVar variation 2945312 (VCV002945312.4), dbSNP rs900969558, ClinGen allele CA392345131.
Genomic context (GRCh38, chr15:48,516,189, plus strand): 5'-AATGTTAACTTGAACAATGCAAGAAAAATAACTAGATGATTTTTGAATTCTTACTTGGTG[G>T]CTCCCGAGATGGATACAGATATTCCACTGGTGGTCGAGGGACCGGAATTTGAGGTCCAGG-3'
Protein context (NP_000129.3, residues 431-451): PVEYLYPSRE[Pro441Thr]PRVLPVNVTD

ClinVar aggregate classification (germline): Uncertain significance. Review status: criteria provided, multiple submitters, no conflicts (2 of 4 stars). 2 submissions from 2 submitters: Uncertain significance (2). Last evaluated 2023-09-17.

Conditions:
Marfan syndrome (MFS). Also called: MARFAN SYNDROME, TYPE I; Marfan syndrome type 1; Marfan's syndrome; Marfan syndrome, classic; FBN1-Related Marfan Syndrome. Identifiers: Orphanet 284963, Orphanet 558, MedGen C0024796, MONDO:0007947, OMIM 154700.
Familial thoracic aortic aneurysm and aortic dissection (TAAD). Also called: Thoracic aortic aneurysms and dissections. Identifiers: Orphanet 91387, MedGen C4707243, MONDO:0019625.

Allele frequency attached by ClinVar (database versions not stated): gnomAD exomes below 0.00001.
gnomAD v4.1: 2 of 1,613,584 alleles (0.00012%); highest among the groups gnomAD compares: Non-Finnish European, 0.00017%; no homozygotes.

Submissions (2):

All of Us Research Program, National Institutes of Health
Classification: Uncertain significance for Marfan syndrome. Last evaluated: 2023-09-17. Review status: criteria provided, single submitter. Criteria: ACMG Guidelines, 2015. Collection method: clinical testing. Allele origin: germline. Inheritance: Autosomal dominant inheritance. Observed: 2 variant alleles, 2 heterozygotes.
Comment: This missense variant replaces proline with threonine at codon 441 of the FBN1 protein. Computational prediction suggests that this variant may not impact protein structure and function (internally defined REVEL score threshold <= 0.5, PMID: 27666373). To our knowledge, functional studies have not been reported for this variant. This variant has not been reported in individuals affected with FBN1-related disorders in the literature. This variant has not been identified in the general population by the Genome Aggregation Database (gnomAD). The available evidence is insufficient to determine the role of this variant in disease conclusively. Therefore, this variant is classified as a Variant of Uncertain Significance.

This study involves interpretation of variants in research participants for the purpose of population health screening. Participant phenotype was not available at the time of variant classification. Additional details can be found in publication PMID: 35346344, PMCID: PMC8962531

Labcorp Genetics (formerly Invitae), Labcorp
Classification: Uncertain significance for Marfan syndrome; Familial thoracic aortic aneurysm and aortic dissection. Last evaluated: 2023-05-01. Review status: criteria provided, single submitter. Criteria: Invitae Variant Classification Sherloc (09022015). Collection method: clinical testing. Allele origin: germline.
Comment: This sequence change replaces proline, which is neutral and non-polar, with threonine, which is neutral and polar, at codon 441 of the FBN1 protein (p.Pro441Thr). This variant is not present in population databases (gnomAD no frequency). This variant has not been reported in the literature in individuals affected with FBN1-related conditions. Advanced modeling of protein sequence and biophysical properties (such as structural, functional, and spatial information, amino acid conservation, physicochemical variation, residue mobility, and thermodynamic stability) has been performed at Invitae for this missense variant, however the output from this modeling did not meet the statistical confidence thresholds required to predict the impact of this variant on FBN1 protein function. In summary, the available evidence is currently insufficient to determine the role of this variant in disease. Therefore, it has been classified as a Variant of Uncertain Significance.